The following is an entry in ClinVar:

ClinVar aggregate classification (germline): Uncertain significance. Review status: criteria provided, multiple submitters, no conflicts (2 of 4 stars). 2 submissions from 2 submitters: Uncertain significance (2). Last evaluated 2024-03-11.

Conditions:
Occult macular dystrophy (OCMD). Also called: OMD; OCCULT MACULAR DYSTROPHY, SUSCEPTIBILITY TO. Identifiers: Orphanet 247834, MedGen C3150833, MONDO:0013316, OMIM 613587, HP:0030636.
Inborn genetic diseases. Identifiers: MedGen C0950123, MeSH D030342.

Submissions (2):

Ambry Genetics
Classification: Uncertain significance for Inborn genetic diseases. Last evaluated: 2024-03-11. Review status: criteria provided, single submitter. Criteria: Ambry Variant Classification Scheme 2023. Collection method: clinical testing. Allele origin: germline.

Institute of Human Genetics, University of Goettingen
Classification: Uncertain significance for Occult macular dystrophy. Last evaluated: 2022-04-12. Review status: criteria provided, single submitter. Criteria: ACMG Guidelines, 2015. Collection method: clinical testing. Allele origin: unknown. Inheritance: Autosomal dominant inheritance. Observed: 1 heterozygote.
Comment: The variant c.6476C>T (p.(Pro2159Leu)) in exon 4 of the RP1L1-gene is found at a population frequency of 0.0053% in the gnomAD database, it affects a not conserved nucleotide, a weakly conserved amino acid and there is a moderate physicochemical difference between Pro and Leu. This variant has a benign computational verdict based on 9 benign predictions from BayesDel_addAF, DANN, EIGEN, FATHMM-MKL, LIST-S2, M-CAP, MVP, MutationTaster and PrimateAI vs 1 pathogenic prediction from SIFT. ACMG criteria used for classification: PM2, BP4.

NM_178857.6(RP1L1):c.6476C>T (p.Pro2159Leu)

Gene: RP1L1 (RP1 like 1). Cytogenetic location: 8p23.1.
Variant type: single nucleotide variant.
Coding change: c.6476C>T on transcript NM_178857.6 (MANE Select); coding-DNA position 6476, C replaced by T.
Protein change: p.Pro2159Leu; replaces proline 2159 with leucine.
Molecular consequence: missense variant.
Genome position (GRCh38, 1-based): chr8:10,607,622, G>A on the plus strand (C>T on the coding strand, the complement: RP1L1 is on the minus strand). VCF-style: chr8-10607622-G-A. GRCh37 (hg19) VCF-style: chr8-10465132-G-A.
Other names: c.6476C>T (NM_178857.5); short protein forms P2159L.
Identifiers: ClinVar variation 1676328 (VCV001676328.5), dbSNP rs762951841, ClinGen allele CA4623298.